The following is an entry in ClinVar:

NM_000264.5(PTCH1):c.4234C>G (p.Pro1412Ala)

Gene: PTCH1 (patched 1; minus strand). Cytogenetic location: 9q22.32.
Variant type: single nucleotide variant.
Coding change: c.4234C>G on transcript NM_000264.5 (MANE Select); coding-DNA position 4234, C replaced by G.
Protein change: p.Pro1412Ala; replaces proline 1412 with alanine.
Molecular consequence: missense variant. On other transcripts: non-coding transcript variant (1).
Genome position (GRCh38, 1-based): chr9:95,447,022, G>C on the plus strand (C>G on the coding strand, the complement: PTCH1 is on the minus strand). VCF-style: chr9-95447022-G-C. GRCh37 (hg19) VCF-style: chr9-98209304-G-C.
Other names: c.4036C>G, p.Pro1346Ala (NM_001083602.3); c.4231C>G, p.Pro1411Ala (NM_001083603.3); c.3781C>G, p.Pro1261Ala (NM_001083604.3, NM_001083605.3, NM_001083606.3 and 1 more transcripts); c.4078C>G, p.Pro1360Ala (NM_001354918.2); short protein forms P1346A, P1412A, P1411A, P1261A, P1360A.
Identifiers: ClinVar variation 453888 (VCV000453888.10), dbSNP rs1554688130, ClinGen allele CA374110061.

ClinVar aggregate classification (germline): Uncertain significance. Review status: criteria provided, multiple submitters, no conflicts (2 of 4 stars). 2 submissions from 2 submitters: Uncertain significance (2). Last evaluated 2022-11-26.

Conditions:
Hereditary cancer-predisposing syndrome. Also called: Tumor predisposition; Hereditary Cancer Syndrome; Neoplastic Syndromes, Hereditary; Hereditary neoplastic syndrome. Identifiers: Orphanet 140162, MedGen C0027672, MeSH D009386, MONDO:0015356.
Gorlin syndrome. Also called: Basal cell nevus syndrome; Nevoid Basal Cell Carcinoma Syndrome. Identifiers: Orphanet 377, MedGen C0004779, MONDO:0007187.

Submissions (2):

Ambry Genetics
Classification: Uncertain significance for Hereditary cancer-predisposing syndrome. Last evaluated: 2022-11-26. Review status: criteria provided, single submitter. Criteria: Ambry Variant Classification Scheme 2023. Collection method: clinical testing. Allele origin: germline.
Comment: The p.P1412A variant (also known as c.4234C>G), located in coding exon 23 of the PTCH1 gene, results from a C to G substitution at nucleotide position 4234. The proline at codon 1412 is replaced by alanine, an amino acid with highly similar properties. This amino acid position is conserved. In addition, the in silico prediction for this alteration is inconclusive. Since supporting evidence is limited at this time, the clinical significance of this alteration remains unclear.

Labcorp Genetics (formerly Invitae), Labcorp
Classification: Uncertain significance for Gorlin syndrome. Last evaluated: 2017-02-28. Review status: criteria provided, single submitter. Criteria: Invitae Variant Classification Sherloc (09022015). Collection method: clinical testing. Allele origin: germline.
Comment: In summary, this variant is a novel missense change with uncertain impact on protein function. It has been classified as a Variant of Uncertain Significance. Algorithms developed to predict the effect of missense changes on protein structure and function do not agree on the potential impact of this missense change (SIFT: "Deleterious"; PolyPhen-2: "Probably Damaging"; Align-GVGD: "Class C0"). This variant is not present in population databases (ExAC no frequency) and has not been reported in the literature in individuals with a PTCH1-related disease. This sequence change replaces proline with alanine at codon 1412 of the PTCH1 protein (p.Pro1412Ala). The proline residue is moderately conserved and there is a small physicochemical difference between proline and alanine.